The following is an entry in ClinVar:

ClinVar aggregate classification (germline): Uncertain significance (1 of 4 stars; one submission).

Submission:

Labcorp Genetics (formerly Invitae), Labcorp
Classification: Uncertain significance. Last evaluated: 2024-08-22. Review status: criteria provided, single submitter. Criteria: Invitae Variant Classification Sherloc (09022015). Collection method: clinical testing. Allele origin: germline.
Comment: This sequence change replaces proline, which is neutral and non-polar, with alanine, which is neutral and non-polar, at codon 858 of the PLXNA2 protein (p.Pro858Ala). This variant is not present in population databases (gnomAD no frequency). This variant has not been reported in the literature in individuals affected with PLXNA2-related conditions. Invitae Evidence Modeling of protein sequence and biophysical properties (such as structural, functional, and spatial information, amino acid conservation, physicochemical variation, residue mobility, and thermodynamic stability) indicates that this missense variant is expected to disrupt PLXNA2 protein function with a positive predictive value of 80%. In summary, the available evidence is currently insufficient to determine the role of this variant in disease. Therefore, it has been classified as a Variant of Uncertain Significance.

NM_025179.4(PLXNA2):c.2572C>G (p.Pro858Ala)

Gene: PLXNA2 (plexin A2; minus strand). Cytogenetic location: 1q32.2.
Variant type: single nucleotide variant.
Coding change: c.2572C>G on transcript NM_025179.4 (MANE Select); coding-DNA position 2572, C replaced by G.
Protein change: p.Pro858Ala; replaces proline 858 with alanine.
Molecular consequence: missense variant.
Genome position (GRCh38, 1-based): chr1:208,079,274, G>C on the plus strand (C>G on the coding strand, the complement: PLXNA2 is on the minus strand). VCF-style: chr1-208079274-G-C. GRCh37 (hg19) VCF-style: chr1-208252619-G-C.
Other names: short protein forms P858A.
Identifiers: ClinVar variation 2764992 (VCV002764992.3), dbSNP rs2526631491, ClinGen allele CA344553491.